The following is an entry in ClinVar:

ClinVar aggregate classification (germline): Uncertain significance (1 of 4 stars; one submission).

Conditions:
Familial Mediterranean fever (FMF). Also called: POLYSEROSITIS, FAMILIAL PAROXYSMAL; POLYSEROSITIS, RECURRENT; Periodic peritonitis; Benign paroxysmal peritonitis. Identifiers: Orphanet 342, MedGen C0031069, MONDO:0018088, OMIM 249100. Disease mechanism: gain of function.

Allele frequency attached by ClinVar (database versions not stated): TOPMed 0.00001.
gnomAD v4.1: 7 of 1,584,936 alleles (0.00044%); highest among the groups gnomAD compares: East Asian, 0.0023%; no homozygotes.

Submission:

Labcorp Genetics (formerly Invitae), Labcorp
Classification: Uncertain significance for Familial Mediterranean fever. Last evaluated: 2022-08-17. Review status: criteria provided, single submitter. Criteria: Invitae Variant Classification Sherloc (09022015). Collection method: clinical testing. Allele origin: germline.
Comment: This sequence change replaces glycine, which is neutral and non-polar, with alanine, which is neutral and non-polar, at codon 196 of the MEFV protein (p.Gly196Ala). This variant is present in population databases (rs561747094, gnomAD 0.003%). This variant has not been reported in the literature in individuals affected with MEFV-related conditions. Algorithms developed to predict the effect of missense changes on protein structure and function (SIFT, PolyPhen-2, Align-GVGD) all suggest that this variant is likely to be tolerated. In summary, the available evidence is currently insufficient to determine the role of this variant in disease. Therefore, it has been classified as a Variant of Uncertain Significance.

NM_000243.3(MEFV):c.587G>C (p.Gly196Ala)

Gene: MEFV (MEFV innate immunity regulator, pyrin; minus strand). Cytogenetic location: 16p13.3.
Variant type: single nucleotide variant.
Coding change: c.587G>C on transcript NM_000243.3 (MANE Select); coding-DNA position 587, G replaced by C.
Protein change: p.Gly196Ala; replaces glycine 196 with alanine.
Molecular consequence: missense variant. On other transcripts: intron variant (1).
Genome position (GRCh38, 1-based): chr16:3,254,481, C>G on the plus strand (G>C on the coding strand, the complement: MEFV is on the minus strand). VCF-style: chr16-3254481-C-G. GRCh37 (hg19) VCF-style: chr16-3304481-C-G.
Other names: c.277+1830G>C (NM_001198536.2); short protein forms G196A.
Identifiers: ClinVar variation 2168572 (VCV002168572.1), dbSNP rs561747094, ClinGen allele CA7860386.
Genomic context (GRCh38, chr16:3,254,481, plus strand): 5'-AGCCCCTGCAGCCTCCCCGCGGAGCTGGCGTTTCTGCGCAGCCGGACCTCGGCCTGGCCC[C>G]CCTCTAGCGCCCTGCAGGGGCCGGGGCTTCTCCCGCCCGGCAGGGCCGGGCTCCGGGTCC-3'
Protein context (NP_000234.1, residues 186-206): RSPGPCRALE[Gly196Ala]GQAEVRLRRN